The following is an entry in ClinVar:

NM_000168.6(GLI3):c.2048C>T (p.Thr683Ile)

Gene: GLI3 (GLI family zinc finger 3; minus strand). Cytogenetic location: 7p14.1.
Variant type: single nucleotide variant.
Coding change: c.2048C>T on transcript NM_000168.6 (MANE Select); coding-DNA position 2048, C replaced by T.
Protein change: p.Thr683Ile; replaces threonine 683 with isoleucine.
Molecular consequence: missense variant.
Genome position (GRCh38, 1-based): chr7:41,972,392, G>A on the plus strand (C>T on the coding strand, the complement: GLI3 is on the minus strand). VCF-style: chr7-41972392-G-A. GRCh37 (hg19) VCF-style: chr7-42011991-G-A.
Other names: short protein forms T683I.
Identifiers: ClinVar variation 931841 (VCV000931841.24), dbSNP rs979364849, ClinGen allele CA156913658.

ClinVar aggregate classification (germline): Uncertain significance. Review status: criteria provided, multiple submitters, no conflicts (2 of 4 stars). 3 submissions from 3 submitters: Uncertain significance (3). Last evaluated 2024-06-01.

Conditions:
Pallister-Hall syndrome (PHS). Also called: GLI3-Related Pallister-Hall Syndrome; HYPOTHALAMIC HAMARTOBLASTOMA, HYPOPITUITARISM, IMPERFORATE ANUS, AND POSTAXIAL POLYDACTYLY. Identifiers: Orphanet 672, MedGen C0265220, MONDO:0007804, OMIM 146510.
Greig cephalopolysyndactyly syndrome (GCPS). Also called: Greig syndrome; POLYSYNDACTYLY WITH PECULIAR SKULL SHAPE; GLI3-Related Greig Cephalopolysyndactyly Syndrome. Identifiers: Orphanet 380, MedGen C0265306, MONDO:0008287, OMIM 175700.

Allele frequency attached by ClinVar (database versions not stated): gnomAD exomes below 0.00001; gnomAD 0.00001; TOPMed 0.00001.
gnomAD v4.1: 8 of 1,613,936 alleles (0.0005%); highest among the groups gnomAD compares: East Asian, 0.0022%; no homozygotes.

Submissions (3):

CeGaT Center for Human Genetics Tuebingen
Classification: Uncertain significance. Last evaluated: 2024-06-01. Review status: criteria provided, single submitter. Criteria: CeGaT Center For Human Genetics Tuebingen Variant Classification Criteria Version 2. Collection method: clinical testing. Allele origin: germline. Affected: yes. Observed: 1 variant allele.
Comment: GLI3: PM2

Labcorp Genetics (formerly Invitae), Labcorp
Classification: Uncertain significance for Pallister-Hall syndrome; Greig cephalopolysyndactyly syndrome. Last evaluated: 2023-09-13. Review status: criteria provided, single submitter. Criteria: Invitae Variant Classification Sherloc (09022015). Collection method: clinical testing. Allele origin: germline.
Comment: In summary, the available evidence is currently insufficient to determine the role of this variant in disease. Therefore, it has been classified as a Variant of Uncertain Significance. Advanced modeling of protein sequence and biophysical properties (such as structural, functional, and spatial information, amino acid conservation, physicochemical variation, residue mobility, and thermodynamic stability) performed at Invitae indicates that this missense variant is expected to disrupt GLI3 protein function. ClinVar contains an entry for this variant (Variation ID: 931841). This variant has not been reported in the literature in individuals affected with GLI3-related conditions. This variant is not present in population databases (gnomAD no frequency). This sequence change replaces threonine, which is neutral and polar, with isoleucine, which is neutral and non-polar, at codon 683 of the GLI3 protein (p.Thr683Ile).

Centre for Mendelian Genomics, University Medical Centre Ljubljana
Classification: Uncertain significance for Pallister-Hall syndrome. Last evaluated: 2019-02-14. Review status: criteria provided, single submitter. Criteria: ACMG Guidelines, 2015. Collection method: clinical testing. Allele origin: unknown. Affected: yes.
Comment: This variant was classified as: Uncertain significance. The available evidence on this variant's pathogenicity is insufficient or conflicting. The following ACMG criteria were applied in classifying this variant: PM2,PPP3.